The following is an entry in ClinVar:

NM_001384317.1(ZHX3):c.1778C>T (p.Thr593Ile)

Gene: ZHX3 (zinc fingers and homeoboxes 3; minus strand). Cytogenetic location: 20q12.
Variant type: single nucleotide variant.
Coding change: c.1778C>T on transcript NM_001384317.1 (MANE Select); coding-DNA position 1778, C replaced by T.
Protein change: p.Thr593Ile; replaces threonine 593 with isoleucine.
Molecular consequence: missense variant.
Genome position (GRCh38, 1-based): chr20:41,203,139, G>A on the plus strand (C>T on the coding strand, the complement: ZHX3 is on the minus strand). VCF-style: chr20-41203139-G-A. GRCh37 (hg19) VCF-style: chr20-39831779-G-A.
Other names: c.1778C>T (NM_015035.3); c.1778C>T, p.Thr593Ile (NM_001384315.1, NM_001384316.1, NM_001384318.1 and 8 more transcripts); short protein forms T593I.
Identifiers: ClinVar variation 1503836 (VCV001503836.7), dbSNP rs571516198, ClinGen allele CA9859888.
Genomic context (GRCh38, chr20:41,203,139, plus strand): 5'-GGTGTGAAGTCAGGAGTCTGGTGCCAAGATTGTCGTTTGGCAGAAGGGTGGGTTGCTAGT[G>A]TGGCTGTTGTCGGAATGCAGGTTACCTCAGGGACCTTGGACGATGGGGAGAAGGACACCT-3'
Protein context (NP_001371246.1, residues 583-603): PEVTCIPTTA[Thr593Ile]LATHPSAKRQ

ClinVar aggregate classification (germline): Uncertain significance. Review status: criteria provided, multiple submitters, no conflicts (2 of 4 stars). 2 submissions from 2 submitters: Uncertain significance (2). Last evaluated 2021-10-26.

Allele frequency attached by ClinVar (database versions not stated): gnomAD 0.00001 and 0.00003; TOPMed 0.00001; ExAC 0.00002; gnomAD exomes 0.00002 and 0.00004; 1000 Genomes Project 30x 0.00016; 1000 Genomes Project 0.00020.
gnomAD v4.1: 29 of 1,614,154 alleles (0.0018%); highest among the groups gnomAD compares: South Asian, 0.011%; no homozygotes.

Submissions (2):

Ambry Genetics
Classification: Uncertain significance. Last evaluated: 2021-10-26. Review status: criteria provided, single submitter. Criteria: Ambry Variant Classification Scheme 2023. Collection method: clinical testing. Allele origin: germline.

Labcorp Genetics (formerly Invitae), Labcorp
Classification: Uncertain significance. Last evaluated: 2021-10-24. Review status: criteria provided, single submitter. Criteria: Invitae Variant Classification Sherloc (09022015). Collection method: clinical testing. Allele origin: germline.
Comment: In summary, the available evidence is currently insufficient to determine the role of this variant in disease. Therefore, it has been classified as a Variant of Uncertain Significance. Algorithms developed to predict the effect of missense changes on protein structure and function (SIFT, PolyPhen-2, Align-GVGD) all suggest that this variant is likely to be tolerated. This variant has not been reported in the literature in individuals affected with ZHX3-related conditions. This variant is present in population databases (rs571516198, ExAC 0.01%). This sequence change replaces threonine with isoleucine at codon 593 of the ZHX3 protein (p.Thr593Ile). The threonine residue is moderately conserved and there is a moderate physicochemical difference between threonine and isoleucine.